The following is an entry in ClinVar:

ClinVar aggregate classification (germline): Uncertain significance (1 of 4 stars; one submission).

Allele frequency attached by ClinVar (database versions not stated): ExAC 0.00001; gnomAD 0.00001; gnomAD exomes 0.00001; TOPMed 0.00001.
gnomAD v4.1: 14 of 1,613,962 alleles (0.00087%); highest among the groups gnomAD compares: Non-Finnish European, 0.0012%; no homozygotes.

Submission:

Labcorp Genetics (formerly Invitae), Labcorp
Classification: Uncertain significance. Last evaluated: 2021-07-31. Review status: criteria provided, single submitter. Criteria: Invitae Variant Classification Sherloc (09022015). Collection method: clinical testing. Allele origin: germline.
Comment: This variant is present in population databases (rs762281496, ExAC 0.002%). This sequence change replaces leucine with serine at codon 978 of the ADGRA3 protein (p.Leu978Ser). The leucine residue is weakly conserved and there is a large physicochemical difference between leucine and serine. In summary, the available evidence is currently insufficient to determine the role of this variant in disease. Therefore, it has been classified as a Variant of Uncertain Significance. Algorithms developed to predict the effect of missense changes on protein structure and function (SIFT, PolyPhen-2, Align-GVGD) all suggest that this variant is likely to be tolerated. This variant has not been reported in the literature in individuals affected with ADGRA3-related conditions.

NM_145290.4(ADGRA3):c.2933T>C (p.Leu978Ser)

Gene: ADGRA3 (adhesion G protein-coupled receptor A3; minus strand). Cytogenetic location: 4p15.2.
Variant type: single nucleotide variant.
Coding change: c.2933T>C on transcript NM_145290.4 (MANE Select); coding-DNA position 2933, T replaced by C.
Protein change: p.Leu978Ser; replaces leucine 978 with serine.
Molecular consequence: missense variant.
Genome position (GRCh38, 1-based): chr4:22,388,738, A>G on the plus strand (T>C on the coding strand, the complement: ADGRA3 is on the minus strand). VCF-style: chr4-22388738-A-G. GRCh37 (hg19) VCF-style: chr4-22390361-A-G.
Other names: short protein forms L978S.
Identifiers: ClinVar variation 1470452 (VCV001470452.6), dbSNP rs762281496, ClinGen allele CA2873476.
Genomic context (GRCh38, chr4:22,388,738, plus strand): 5'-CCCAAGAGCTGAGAATGAAAAGTGTGCTCATTTTCCAAGGCTGATGTAGAAATCAGAGAC[A>G]AAGACATTGAATCCTGATGATTTATTTCGCCATTTTCATTGGCTGCCAATCTCTGTTGCT-3'
Protein context (NP_660333.2, residues 968-988): GEINHQDSMS[Leu978Ser]SLISTSALEN